The following is an entry in ClinVar:

ClinVar aggregate classification (germline): Uncertain significance (1 of 4 stars; one submission).

Submission:

Ambry Genetics
Classification: Uncertain significance. Last evaluated: 2024-12-14. Review status: criteria provided, single submitter. Criteria: Ambry Variant Classification Scheme 2023. Collection method: clinical testing. Allele origin: germline.
Comment: The p.N166S variant (also known as c.497A>G), located in coding exon 4 of the CTNNA3 gene, results from an A to G substitution at nucleotide position 497. The asparagine at codon 166 is replaced by serine, an amino acid with highly similar properties. This amino acid position is conserved. In addition, this alteration is predicted to be tolerated by in silico analysis. Based on the available evidence, the clinical significance of this variant remains unclear.

NM_013266.4(CTNNA3):c.497A>G (p.Asn166Ser)

Gene: CTNNA3 (catenin alpha 3; minus strand). Cytogenetic location: 10q21.3.
Variant type: single nucleotide variant.
Coding change: c.497A>G on transcript NM_013266.4 (MANE Select); coding-DNA position 497, A replaced by G.
Protein change: p.Asn166Ser; replaces asparagine 166 with serine.
Molecular consequence: missense variant.
Genome position (GRCh38, 1-based): chr10:67,521,924, T>C on the plus strand (A>G on the coding strand, the complement: CTNNA3 is on the minus strand). VCF-style: chr10-67521924-T-C. GRCh37 (hg19) VCF-style: chr10-69281682-T-C.
Other names: c.497A>G, p.Asn166Ser (NM_001127384.3); c.533A>G, p.Asn178Ser (NM_001291133.2); short protein forms N178S, N166S.
Identifiers: ClinVar variation 3837201 (VCV003837201.1).